The following is an entry in ClinVar:

NM_030928.4(CDT1):c.304A>C (p.Thr102Pro)

Gene: CDT1 (chromatin licensing and DNA replication factor 1; plus strand). Cytogenetic location: 16q24.3.
Variant type: single nucleotide variant.
Coding change: c.304A>C on transcript NM_030928.4 (MANE Select); coding-DNA position 304, A replaced by C.
Protein change: p.Thr102Pro; replaces threonine 102 with proline.
Molecular consequence: missense variant.
Genome position (GRCh38, 1-based): chr16:88,804,620, A>C. VCF-style: chr16-88804620-A-C. GRCh37 (hg19) VCF-style: chr16-88871028-A-C.
Other names: short protein forms T102P.
Identifiers: ClinVar variation 2003279 (VCV002003279.4), dbSNP rs1597504243, ClinGen allele CA397072211.
Genomic context (GRCh38, chr16:88,804,620, plus strand): 5'-ACCCCCGAGGCCCCAGACATCCCAGCCTGCCCTTCTCCGGGCCAGAAGATAAAGAAATCC[A>C]CCCCGGCAGCAGGTCAGCCGCCCCACCTGACATCCGCGCAGGACCAGGTGAGGGGCGGGG-3'
Protein context (NP_112190.2, residues 92-112): PSPGQKIKKS[Thr102Pro]PAAGQPPHLT

ClinVar aggregate classification (germline): Uncertain significance (1 of 4 stars; one submission).

gnomAD v4.1: 1 of 1,612,170 alleles (0.000062%); no homozygotes.

Submission:

Labcorp Genetics (formerly Invitae), Labcorp
Classification: Uncertain significance. Last evaluated: 2025-02-10. Review status: criteria provided, single submitter. Criteria: Invitae Variant Classification Sherloc (09022015). Collection method: clinical testing. Allele origin: germline.
Comment: This sequence change replaces threonine, which is neutral and polar, with proline, which is neutral and non-polar, at codon 102 of the CDT1 protein (p.Thr102Pro). This variant is not present in population databases (gnomAD no frequency). This variant has not been reported in the literature in individuals affected with CDT1-related conditions. ClinVar contains an entry for this variant (Variation ID: 2003279). An algorithm developed to predict the effect of missense changes on protein structure and function outputs the following: PolyPhen-2: "Benign". The proline amino acid residue is found in multiple mammalian species, which suggests that this missense change does not adversely affect protein function. In summary, the available evidence is currently insufficient to determine the role of this variant in disease. Therefore, it has been classified as a Variant of Uncertain Significance.